The following is an entry in ClinVar:

NM_000784.4(CYP27A1):c.73del (p.Ala25fs)

Gene: CYP27A1 (cytochrome P450 family 27 subfamily A member 1; plus strand). Cytogenetic location: 2q35.
Variant type: Deletion.
Coding change: c.73del on transcript NM_000784.4 (MANE Select); coding-DNA position 73, one base deleted (G; older notation c.73delG).
Protein change: p.Ala25fs; shifts the reading frame from alanine 25.
Molecular consequence: frameshift variant.
Genome position (GRCh38, 1-based): chr2:218,782,255, G deleted; the last of 4 consecutive G bases (chr2:218,782,252-218,782,255); deleting any one gives the same sequence. VCF-style (leftmost placement, unchanged base first): chr2-218782251-CG-C. GRCh37 (hg19) VCF-style: chr2-219646974-CG-C.
Other names: c.73delG; short protein forms A25fs.
Identifiers: ClinVar variation 65894 (VCV000065894.3), dbSNP rs587778807, ClinGen allele CA345229.
Genomic context (GRCh38, chr2:218,782,251, plus strand): 5'-GCTGGGCTGCGCGAGGCTGAGGTGGGCGCTGCGAGGGGCCGGCCGTGGCCTCTGCCCCCA[CG>C]GGGCCAGAGCCAAGGCCGCGATCCCTGCCGCCCTCCCCTCGGACAAGGCCACCGGAGCTC-3'

ClinVar aggregate classification (germline): Pathogenic (0 of 4 stars; one submission).

Conditions:
Cholestanol storage disease (CTX). Also called: CEREBRAL CHOLESTERINOSIS; Cerebrotendinous Xanthomatosis; CTX: Cerebrotendinous xanthomatosis. Identifiers: Orphanet 909, MedGen C0238052, MONDO:0008948, OMIM 213700.

Submission:

GeneReviews
Classification: Pathogenic for Cerebrotendinous Xanthomatosis. Last evaluated: 2013-08-01. Review status: no assertion criteria provided. Collection method: curation. Allele origin: unknown.
ClinVar note: Converted during submission from pathologic to Pathogenic.